The following is an entry in ClinVar:

ClinVar aggregate classification (germline): Conflicting classifications of pathogenicity. Review status: criteria provided, conflicting classifications (1 of 4 stars). 3 submissions from 3 submitters: Uncertain significance (1); Likely benign (1). 1 of the submissions does not count toward it. Last evaluated 2025-05-01.

Conditions:
Sotos syndrome (SOTOS). Also called: Distinctive facial appearance, overgrowth in childhood, and learning disabilities or delayed development; CEREBRAL GIGANTISM; Sotos' syndrome; CHROMOSOME 5q35 DELETION SYNDROME; SOTOS SYNDROME 1. Identifiers: Orphanet 821, MedGen C0175695, MONDO:0019349, OMIM 117550.
NSD1-related disorder. Also called: NSD1-related condition.

Allele frequency attached by ClinVar (database versions not stated): ESP Exome Variant Server 0.00008; gnomAD exomes 0.00013; TOPMed 0.00003; gnomAD 0.00007 and 0.00008; ExAC 0.00016.
gnomAD v4.1: 100 of 1,613,738 alleles (0.0062%); highest among the groups gnomAD compares: South Asian, 0.09%; 2 homozygotes.

Submissions (3):

Labcorp Genetics (formerly Invitae), Labcorp
Classification: Likely benign. Last evaluated: 2025-05-01. Review status: criteria provided, single submitter. Criteria: Invitae Variant Classification Sherloc (09022015). Collection method: clinical testing. Allele origin: germline.

Genetic Services Laboratory, University of Chicago
Classification: Uncertain significance for Sotos syndrome 1. Last evaluated: 2013-02-08. Review status: criteria provided, single submitter. Criteria: ACMG Guidelines, 2007. Collection method: clinical testing. Allele origin: germline. Inheritance: Autosomal dominant inheritance.

PreventionGenetics, part of Exact Sciences
Classification: Likely benign for NSD1-related condition. Last evaluated: 2024-08-28. Review status: no assertion criteria provided. Collection method: clinical testing. Allele origin: germline. Not counted in ClinVar's aggregate classification.
Comment: This variant is classified as likely benign based on ACMG/AMP sequence variant interpretation guidelines (Richards et al. 2015 PMID: 25741868, with internal and published modifications).

NM_022455.5(NSD1):c.142A>G (p.Met48Val)

Gene: NSD1 (nuclear receptor binding SET domain protein 1; plus strand). Cytogenetic location: 5q35.3.
Variant type: single nucleotide variant.
Coding change: c.142A>G on transcript NM_022455.5 (MANE Select); coding-DNA position 142, A replaced by G.
Protein change: p.Met48Val; replaces methionine 48 with valine.
Molecular consequence: missense variant. On other transcripts: intron variant (7).
Genome position (GRCh38, 1-based): chr5:177,135,245, A>G. VCF-style: chr5-177135245-A-G. GRCh37 (hg19) VCF-style: chr5-176562246-A-G.
Other names: c.-37+45A>G (NM_001409309.1, NM_001365684.2, NM_001409305.1 and 4 more transcripts); c.142A>G, p.Met48Val (NM_001409301.1, NM_001409302.1, NM_001409303.1 and 1 more transcripts); short protein forms M48V.
Identifiers: ClinVar variation 159265 (VCV000159265.12), dbSNP rs200735877, ClinGen allele CA294796.
Genomic context (GRCh38, chr5:177,135,245, plus strand): 5'-AAGGACAGCCCTTTCGGTAATGGTCAATCCAATTTTTCTGAGCCACTTAATGGGTGTACT[A>G]TGCAGTTATCGACTGTCAGTGGAACATCCCAAAATGCTTATGGACAAGATTCTCCATCTT-3'
Protein context (NP_071900.2, residues 38-58): NFSEPLNGCT[Met48Val]QLSTVSGTSQ